The following is an entry in ClinVar:

ClinVar aggregate classification (germline): Uncertain significance (1 of 4 stars; one submission).

Conditions:
Familial temporal lobe epilepsy 7. Identifiers: Orphanet 101046, MedGen C4225327, MONDO:0014639, OMIM 616436.
Norman-Roberts syndrome (LIS2). Also called: Lissencephaly 2 (Norman-Roberts type). Identifiers: Orphanet 89844, MedGen C0796089, MONDO:0009760, OMIM 257320.

Submission:

Labcorp Genetics (formerly Invitae), Labcorp
Classification: Uncertain significance for Familial temporal lobe epilepsy 7; Norman-Roberts syndrome. Last evaluated: 2022-03-02. Review status: criteria provided, single submitter. Criteria: Invitae Variant Classification Sherloc (09022015). Collection method: clinical testing. Allele origin: germline.
Comment: This sequence change replaces cysteine, which is neutral and slightly polar, with tryptophan, which is neutral and slightly polar, at codon 225 of the RELN protein (p.Cys225Trp). This variant is not present in population databases (gnomAD no frequency). This variant has not been reported in the literature in individuals affected with RELN-related conditions. Algorithms developed to predict the effect of missense changes on protein structure and function are either unavailable or do not agree on the potential impact of this missense change (SIFT: "Deleterious"; PolyPhen-2: "Possibly Damaging"; Align-GVGD: "Class C0"). In summary, the available evidence is currently insufficient to determine the role of this variant in disease. Therefore, it has been classified as a Variant of Uncertain Significance.

NM_005045.4(RELN):c.675T>G (p.Cys225Trp)

Gene: RELN (reelin; minus strand). Cytogenetic location: 7q22.1.
Variant type: single nucleotide variant.
Coding change: c.675T>G on transcript NM_005045.4 (MANE Select); coding-DNA position 675, T replaced by G.
Protein change: p.Cys225Trp; replaces cysteine 225 with tryptophan.
Molecular consequence: missense variant.
Genome position (GRCh38, 1-based): chr7:103,728,189, A>C on the plus strand (T>G on the coding strand, the complement: RELN is on the minus strand). VCF-style: chr7-103728189-A-C. GRCh37 (hg19) VCF-style: chr7-103368636-A-C.
Other names: c.675T>G, p.Cys225Trp (NM_173054.3); short protein forms C225W.
Identifiers: ClinVar variation 2105659 (VCV002105659.4), dbSNP rs2484996315, ClinGen allele CA368929284.